The following is an entry in ClinVar:

NM_000455.5(STK11):c.1A>T (p.Met1Leu)

Gene: STK11 (serine/threonine kinase 11; plus strand). Cytogenetic location: 19p13.3.
Variant type: single nucleotide variant.
Coding change: c.1A>T on transcript NM_000455.5 (MANE Select); coding-DNA position 1, A replaced by T.
Protein change: p.Met1Leu; changes the start codon (methionine 1).
Molecular consequence: missense variant, initiator codon variant.
Genome position (GRCh38, 1-based): chr19:1,206,914, A>T. VCF-style: chr19-1206914-A-T. GRCh37 (hg19) VCF-style: chr19-1206913-A-T.
Other names: short protein forms M1L.
Identifiers: ClinVar variation 925776 (VCV000925776.4), dbSNP rs2080669644, ClinGen allele CA402942875.

ClinVar aggregate classification (germline): Uncertain significance. Review status: criteria provided, multiple submitters, no conflicts (2 of 4 stars). 2 submissions from 2 submitters: Uncertain significance (2). Last evaluated 2025-02-01.

Conditions:
Hereditary cancer-predisposing syndrome. Also called: Neoplastic Syndromes, Hereditary; Tumor predisposition; Hereditary Cancer Syndrome; Hereditary neoplastic syndrome. Identifiers: Orphanet 140162, MedGen C0027672, MeSH D009386, MONDO:0015356.

Submissions (2):

Ambry Genetics
Classification: Uncertain significance for Hereditary cancer-predisposing syndrome. Last evaluated: 2025-02-01. Review status: criteria provided, single submitter. Criteria: Ambry Variant Classification Scheme 2023. Collection method: clinical testing. Allele origin: germline.
Comment: The p.M1? variant (also known as c.1A>T), located in coding exon 1 of the STK11 gene, results from a A to T substitution at nucleotide position 1. This alters the methionine residue at the initiation codon (ATG). Variations that modify the initiation codon (ATG) are expected to result in either loss of translation initiation, N-terminal truncation, or cause a shift in the mRNA reading frame; however, there is an in-frame methionine 10 amino acids from the initiation site, which may result in N-terminal truncation of unknown functional significance. Based on the available evidence, the clinical significance of this variant remains unclear.

Color Diagnostics, LLC DBA Color Health
Classification: Uncertain significance for Hereditary cancer-predisposing syndrome. Last evaluated: 2018-12-12. Review status: criteria provided, single submitter. Criteria: ACMG Guidelines, 2015. Collection method: clinical testing. Allele origin: germline.